The following is an entry in ClinVar:

NM_005458.8(GABBR2):c.1112G>A (p.Arg371Lys)

Gene: GABBR2 (gamma-aminobutyric acid type B receptor subunit 2; minus strand). Cytogenetic location: 9q22.33.
Variant type: single nucleotide variant.
Coding change: c.1112G>A on transcript NM_005458.8 (MANE Select); coding-DNA position 1112, G replaced by A.
Protein change: p.Arg371Lys; replaces arginine 371 with lysine.
Molecular consequence: missense variant.
Genome position (GRCh38, 1-based): chr9:98,454,105, C>T on the plus strand (G>A on the coding strand, the complement: GABBR2 is on the minus strand). VCF-style: chr9-98454105-C-T. GRCh37 (hg19) VCF-style: chr9-101216387-C-T.
Other names: short protein forms R371K.
Identifiers: ClinVar variation 1511525 (VCV001511525.6), dbSNP rs1317133027, ClinGen allele CA374350560.

ClinVar aggregate classification (germline): Uncertain significance (1 of 4 stars; one submission).

Conditions:
Epileptic encephalopathy. Identifiers: MedGen C0543888, HP:0200134.

Allele frequency attached by ClinVar (database versions not stated): TOPMed 0.00001.

Submission:

Labcorp Genetics (formerly Invitae), Labcorp
Classification: Uncertain significance for Epileptic encephalopathy. Last evaluated: 2024-03-01. Review status: criteria provided, single submitter. Criteria: Invitae Variant Classification Sherloc (09022015). Collection method: clinical testing. Allele origin: germline.
Comment: This sequence change replaces arginine, which is basic and polar, with lysine, which is basic and polar, at codon 371 of the GABBR2 protein (p.Arg371Lys). This variant is not present in population databases (gnomAD no frequency). This variant has not been reported in the literature in individuals affected with GABBR2-related conditions. ClinVar contains an entry for this variant (Variation ID: 1511525). Advanced modeling of protein sequence and biophysical properties (such as structural, functional, and spatial information, amino acid conservation, physicochemical variation, residue mobility, and thermodynamic stability) performed at Invitae indicates that this missense variant is not expected to disrupt GABBR2 protein function with a negative predictive value of 80%. In summary, the available evidence is currently insufficient to determine the role of this variant in disease. Therefore, it has been classified as a Variant of Uncertain Significance.